The following is an entry in ClinVar:

ClinVar aggregate classification (germline): Uncertain significance. Review status: criteria provided, multiple submitters, no conflicts (2 of 4 stars). 2 submissions from 2 submitters: Uncertain significance (2). Last evaluated 2025-12-29.

Conditions:
Cowden syndrome 3 (CWS3). Identifiers: Orphanet 201, MedGen CN166604, MONDO:0014045.
Carney-Stratakis syndrome. Also called: PARAGANGLIOMA AND GASTROINTESTINAL STROMAL TUMOR. Identifiers: Orphanet 97286, MedGen C1847319, MONDO:0011740, OMIM 606864.
Paragangliomas with sensorineural hearing loss. Identifiers: MedGen C1868633.
Pheochromocytoma. Also called: MAX-Related Hereditary Paraganglioma-Pheochromocytoma Syndrome. Identifiers: Orphanet 29072, MedGen C0031511, MONDO:0008233, OMIM 171300, HP:0002666.

Submissions (2):

Center for Genomic Medicine, Rigshospitalet, Copenhagen University Hospital
Classification: Uncertain significance. Last evaluated: 2025-12-29. Review status: criteria provided, single submitter. Criteria: ACMG Guidelines, 2015. Collection method: clinical testing. Allele origin: germline.

Labcorp Genetics (formerly Invitae), Labcorp
Classification: Uncertain significance for Carney-Stratakis syndrome; Paragangliomas with sensorineural hearing loss; Pheochromocytoma; Cowden syndrome 3. Last evaluated: 2024-03-06. Review status: criteria provided, single submitter. Criteria: Invitae Variant Classification Sherloc (09022015). Collection method: clinical testing. Allele origin: germline.
Comment: This sequence change replaces alanine, which is neutral and non-polar, with serine, which is neutral and polar, at codon 82 of the SDHD protein (p.Ala82Ser). This variant is not present in population databases (gnomAD no frequency). This variant has not been reported in the literature in individuals affected with SDHD-related conditions. ClinVar contains an entry for this variant (Variation ID: 1039073). Advanced modeling of protein sequence and biophysical properties (such as structural, functional, and spatial information, amino acid conservation, physicochemical variation, residue mobility, and thermodynamic stability) has been performed at Invitae for this missense variant, however the output from this modeling did not meet the statistical confidence thresholds required to predict the impact of this variant on SDHD protein function. In summary, the available evidence is currently insufficient to determine the role of this variant in disease. Therefore, it has been classified as a Variant of Uncertain Significance.

NM_003002.4(SDHD):c.244G>T (p.Ala82Ser)

Gene: SDHD (succinate dehydrogenase complex subunit D; plus strand). Cytogenetic location: 11q23.1.
Variant type: single nucleotide variant.
Coding change: c.244G>T on transcript NM_003002.4 (MANE Select); coding-DNA position 244, G replaced by T.
Protein change: p.Ala82Ser; replaces alanine 82 with serine.
Molecular consequence: missense variant. On other transcripts: non-coding transcript variant (1), intron variant (1).
Genome position (GRCh38, 1-based): chr11:112,088,941, G>T. VCF-style: chr11-112088941-G-T. GRCh37 (hg19) VCF-style: chr11-111959665-G-T.
Other names: c.127G>T, p.Ala43Ser (NM_001276504.2); c.244G>T, p.Ala82Ser (NM_001276506.2); c.169+968G>T (NM_001276503.2); short protein forms A43S, A82S.
Identifiers: ClinVar variation 1039073 (VCV001039073.47), dbSNP rs745559875, ClinGen allele CA070920.